The following is an entry in ClinVar:

NM_001609.4(ACADSB):c.958A>T (p.Ile320Leu)

Gene: ACADSB (acyl-CoA dehydrogenase short/branched chain; plus strand). Cytogenetic location: 10q26.13.
Variant type: single nucleotide variant.
Coding change: c.958A>T on transcript NM_001609.4 (MANE Select); coding-DNA position 958, A replaced by T.
Protein change: p.Ile320Leu; replaces isoleucine 320 with leucine.
Molecular consequence: missense variant.
Genome position (GRCh38, 1-based): chr10:123,047,266, A>T. VCF-style: chr10-123047266-A-T. GRCh37 (hg19) VCF-style: chr10-124806782-A-T.
Other names: c.652A>T, p.Ile218Leu (NM_001330174.3); short protein forms I320L, I218L.
Identifiers: ClinVar variation 468452 (VCV000468452.9), dbSNP rs1554873785, ClinGen allele CA378621058.
Genomic context (GRCh38, chr10:123,047,266, plus strand): 5'-CAGATGCTGGGACTGGCGCAAGGATGTTTTGACTACACTATTCCATATATTAAAGAAAGG[A>T]TACAATTTGGCAAAAGACTATTTGATTTTCAGGTATGTAATTATTAGGGTCTTTCTGCTG-3'
Protein context (NP_001600.1, residues 310-330): DYTIPYIKER[Ile320Leu]QFGKRLFDFQ

ClinVar aggregate classification (germline): Uncertain significance (1 of 4 stars; one submission).

Conditions:
Deficiency of 2-methylbutyryl-CoA dehydrogenase (ACADSB). Also called: 2-methylbutyryl-CoA dehydrogenase deficiency; SBCAD deficiency; 2-methylbutyric aciduria; Short branched-chain acyl-CoA dehydrogenase deficiency; 2-methylbutyrylglycinuria. Identifiers: Orphanet 79157, MedGen C1864912, MONDO:0012392, OMIM 610006, HP:0020147.

Submission:

Labcorp Genetics (formerly Invitae), Labcorp
Classification: Uncertain significance for Deficiency of 2-methylbutyryl-CoA dehydrogenase. Last evaluated: 2018-01-13. Review status: criteria provided, single submitter. Criteria: Invitae Variant Classification Sherloc (09022015). Collection method: clinical testing. Allele origin: germline.
Comment: In summary, this variant is a novel missense change that is not predicted to affect protein function. There is no indication that it causes disease, but the available evidence is currently insufficient to prove that conclusively. Therefore, it has been classified as a Variant of Uncertain Significance. Algorithms developed to predict the effect of missense changes on protein structure and function (SIFT, PolyPhen-2, Align-GVGD) all suggest that this variant is likely to be tolerated, but these predictions have not been confirmed by published functional studies. This variant is not present in population databases (ExAC no frequency) and has not been reported in the literature in individuals with a ACADSB-related disease. This sequence change replaces isoleucine with leucine at codon 320 of the ACADSB protein (p.Ile320Leu). The isoleucine residue is weakly conserved and there is a small physicochemical difference between isoleucine and leucine.